The following is an entry in ClinVar:

ClinVar aggregate classification (germline): Pathogenic (1 of 4 stars; one submission).

Conditions:
Retinoblastoma (RB1). Also called: RETINOBLASTOMA, SOMATIC. Identifiers: Orphanet 790, MedGen C0035335, MeSH D012175, MONDO:0008380, OMIM 180200, HP:0009919. Disease mechanism: loss of function. Inheritance: Both sporadic and heritable forms are tested..

Submission:

Labcorp Genetics (formerly Invitae), Labcorp
Classification: Pathogenic for Retinoblastoma. Last evaluated: 2021-07-25. Review status: criteria provided, single submitter. Criteria: Invitae Variant Classification Sherloc (09022015). Collection method: clinical testing. Allele origin: germline.
Comment: For these reasons, this variant has been classified as Pathogenic. ClinVar contains an entry for this variant (Variation ID: 376329). This premature translational stop signal has been observed in individual(s) with retinoblastoma (PMID: 25712084). This variant is not present in population databases (ExAC no frequency). This sequence change creates a premature translational stop signal (p.Leu199*) in the RB1 gene. It is expected to result in an absent or disrupted protein product. Loss-of-function variants in RB1 are known to be pathogenic (PMID: 17096365).

Literature cited by the submitters: PubMed 25712084; PubMed 17096365.

NM_000321.3(RB1):c.596T>A (p.Leu199Ter)

Gene: RB1 (RB transcriptional corepressor 1; plus strand). Cytogenetic location: 13q14.2.
Variant type: single nucleotide variant.
Coding change: c.596T>A on transcript NM_000321.3 (MANE Select); coding-DNA position 596, T replaced by A.
Protein change: p.Leu199Ter; replaces leucine 199 with a stop codon.
Molecular consequence: nonsense.
Genome position (GRCh38, 1-based): chr13:48,349,012, T>A. VCF-style: chr13-48349012-T-A. GRCh37 (hg19) VCF-style: chr13-48923148-T-A.
Other names: short protein forms L199*.
Identifiers: ClinVar variation 376329 (VCV000376329.6), dbSNP rs121913298, ClinGen allele CA16602773.